The following is an entry in ClinVar:

NM_000059.4(BRCA2):c.5045G>A (p.Ser1682Asn)

Gene: BRCA2 (BRCA2 DNA repair associated; plus strand). Cytogenetic location: 13q13.1.
Variant type: single nucleotide variant.
Coding change: c.5045G>A on transcript NM_000059.4 (MANE Select); coding-DNA position 5045, G replaced by A.
Protein change: p.Ser1682Asn; replaces serine 1682 with asparagine.
Molecular consequence: missense variant.
Genome position (GRCh38, 1-based): chr13:32,339,400, G>A. VCF-style: chr13-32339400-G-A. GRCh37 (hg19) VCF-style: chr13-32913537-G-A.
Other names: short protein forms S1682N.
Identifiers: ClinVar variation 233473 (VCV000233473.25), dbSNP rs41293493, ClinGen allele CA10579644.

ClinVar aggregate classification (germline): Conflicting classifications of pathogenicity. Review status: criteria provided, conflicting classifications (1 of 4 stars). 6 submissions from 6 submitters: Uncertain significance (5); Likely benign (1). Last evaluated 2025-07-16.

Conditions:
Hereditary cancer-predisposing syndrome. Also called: Neoplastic Syndromes, Hereditary; Tumor predisposition; Hereditary Cancer Syndrome; Hereditary neoplastic syndrome. Identifiers: Orphanet 140162, MedGen C0027672, MeSH D009386, MONDO:0015356.
Hereditary breast ovarian cancer syndrome. Also called: Hereditary breast and ovarian cancer syndrome; BRCA1- and BRCA2-Associated Hereditary Breast and Ovarian Cancer; Breast and ovarian cancer; Hereditary breast and/or ovarian cancer syndrome; Hereditary breast and ovarian cancer; Hereditary breast and ovarian cancer syndrome (HBOC). Identifiers: Orphanet 145, MedGen C0677776, MeSH D061325, MONDO:0003582. Disease mechanism: loss of function.

Allele frequency attached by ClinVar (database versions not stated): gnomAD 0.00001; gnomAD exomes below 0.00001; TOPMed below 0.00001.
gnomAD v4.1: 9 of 1,596,178 alleles (0.00056%); highest among the groups gnomAD compares: Non-Finnish European, 0.00077%; no homozygotes.

Submissions (6):

Labcorp Genetics (formerly Invitae), Labcorp
Classification: Uncertain significance for Hereditary breast ovarian cancer syndrome. Last evaluated: 2025-07-16. Review status: criteria provided, single submitter. Criteria: Invitae Variant Classification Sherloc (09022015). Collection method: clinical testing. Allele origin: germline.
Comment: This sequence change replaces serine, which is neutral and polar, with asparagine, which is neutral and polar, at codon 1682 of the BRCA2 protein (p.Ser1682Asn). This variant is present in population databases (rs41293493, gnomAD 0.002%). This variant has not been reported in the literature in individuals affected with BRCA2-related conditions. ClinVar contains an entry for this variant (Variation ID: 233473). Invitae Evidence Modeling of protein sequence and biophysical properties (such as structural, functional, and spatial information, amino acid conservation, physicochemical variation, residue mobility, and thermodynamic stability) indicates that this missense variant is not expected to disrupt BRCA2 protein function with a negative predictive value of 95%. In summary, the available evidence is currently insufficient to determine the role of this variant in disease. Therefore, it has been classified as a Variant of Uncertain Significance.

Ambry Genetics
Classification: Uncertain significance for Hereditary cancer-predisposing syndrome. Last evaluated: 2024-01-25. Review status: criteria provided, single submitter. Criteria: Ambry Variant Classification Scheme 2023. Collection method: clinical testing. Allele origin: germline.
Comment: The p.S1682N variant (also known as c.5045G>A), located in coding exon 10 of the BRCA2 gene, results from a G to A substitution at nucleotide position 5045. The serine at codon 1682 is replaced by asparagine, an amino acid with highly similar properties. This amino acid position is not well conserved in available vertebrate species. In addition, this alteration is predicted to be tolerated by in silico analysis. Since supporting evidence is limited at this time, the clinical significance of this alteration remains unclear.

University of Washington Department of Laboratory Medicine, University of Washington
Classification: Likely benign for Hereditary cancer-predisposing syndrome. Last evaluated: 2023-03-23. Review status: criteria provided, single submitter. Criteria: Dines et al. (Genet Med. 2020). Collection method: curation. Allele origin: germline.
Comment: Missense variant in a coldspot region where missense variants are very unlikely to be pathogenic (PMID:31911673).

BRCA2 exon 11 coldspot. Reclassification based on statistical prior probability.

Women's Health and Genetics/Laboratory Corporation of America, LabCorp
Classification: Uncertain significance. Last evaluated: 2022-11-25. Review status: criteria provided, single submitter. Criteria: LabCorp Variant Classification Summary - May 2015. Collection method: clinical testing. Allele origin: germline.
Comment: Variant summary: BRCA2 c.5045G>A (p.Ser1682Asn) results in a conservative amino acid change located in the BRCA2 repeat (IPR002093) of the encoded protein sequence. Five of five in-silico tools predict a benign effect of the variant on protein function. The variant allele was found at a frequency of 4.2e-06 in 237878 control chromosomes (gnomAD). The available data on variant occurrences in the general population are insufficient to allow any conclusion about variant significance. To our knowledge, no occurrence of c.5045G>A in individuals affected with Hereditary Breast And Ovarian Cancer Syndrome and no experimental evidence demonstrating its impact on protein function have been reported. Four ClinVar submitters have assessed the variant since 2014: all four classified the variant as uncertain significance. Based on the evidence outlined above, the variant was classified as uncertain significance.

Color Diagnostics, LLC DBA Color Health
Classification: Uncertain significance for Hereditary cancer-predisposing syndrome. Last evaluated: 2020-01-06. Review status: criteria provided, single submitter. Criteria: ACMG Guidelines, 2015. Collection method: clinical testing. Allele origin: germline.
Comment: This missense variant replaces serine with asparagine at codon 1682 of the BRCA2 protein. Computational prediction suggests that this variant may not impact protein structure and function (internally defined REVEL score threshold <= 0.5, PMID: 27666373). Splice site prediction tools suggest that this variant may not impact RNA splicing. To our knowledge, functional studies have not been performed for this variant. This variant has not been reported in individuals affected with hereditary cancer in the literature. This variant has been identified in 2/269262 chromosomes in the general population by the Genome Aggregation Database (gnomAD). The available evidence is insufficient to determine the role of this variant in disease conclusively. Therefore, this variant is classified as a Variant of Uncertain Significance.

GeneDx
Classification: Uncertain significance. Last evaluated: 2019-06-03. Review status: criteria provided, single submitter. Criteria: GeneDx Variant Classification Process June 2021. Collection method: clinical testing. Allele origin: germline. Affected: yes.
Comment: Not observed at a significant frequency in large population cohorts (Lek et al., 2016); In silico analysis, which includes protein predictors and evolutionary conservation, supports that this variant does not alter protein structure/function; This variant is associated with the following publications: (PMID: 18724707)

Literature cited by the submitters: PubMed 18724707 (cited by Ambry Genetics).